The following is an entry in ClinVar:

NM_001384140.1(PCDH15):c.1784+179G>A

Gene: PCDH15 (protocadherin related 15; minus strand). Cytogenetic location: 10q21.1.
Variant type: single nucleotide variant.
Coding change: c.1784+179G>A on transcript NM_001384140.1 (MANE Select); 179 bases into the intron after coding-DNA position 1784, G replaced by A.
Molecular consequence: intron variant.
Genome position (GRCh38, 1-based): chr10:54,152,921, C>T on the plus strand (G>A on the coding strand, the complement: PCDH15 is on the minus strand). VCF-style: chr10-54152921-C-T. GRCh37 (hg19) VCF-style: chr10-55912681-C-T.
Other names: c.1784+179G>A (NM_001354420.2, NM_001354429.2, NM_001142772.2 and 6 more transcripts); c.1799+179G>A (NM_001142771.2, NM_001142763.2); c.1805+179G>A (NM_001354411.2); c.1820+179G>A (NM_001142769.3); c.1718+179G>A (NM_001354404.2, NM_001142773.2, NM_001142768.2); c.1673+179G>A (NM_001142767.2).
Identifiers: ClinVar variation 678847 (VCV000678847.2), dbSNP rs12764713, ClinGen allele CA207216630.
Genomic context (GRCh38, chr10:54,152,921, plus strand): 5'-TCTCTGTCTGCAGCCTTACTTTTCCATAATAAATTTGAAATATGCCTCTGATATTGTCCT[C>T]TTCCCAAAATTTAACCAAATCAGAATATGCATGCAGTTCCTGAGAATCTGGTCTCTCTGA-3'

ClinVar aggregate classification (germline): Benign. Review status: criteria provided, multiple submitters, no conflicts (2 of 4 stars). 2 submissions from 2 submitters: Benign (2). Last evaluated 2018-06-14.

Allele frequency attached by ClinVar (database versions not stated): 1000 Genomes Project 30x 0.74735; gnomAD 0.63133 and 0.63894; TOPMed 0.64317; 1000 Genomes Project 0.75319.
gnomAD v4.1: 96,829 of 151,872 alleles (64%); highest among the groups gnomAD compares: East Asian, 89%; 32,337 homozygotes.

Submissions (2):

GeneDx
Classification: Benign. Last evaluated: 2018-06-14. Review status: criteria provided, single submitter. Criteria: GeneDx Variant Classification (06012015). Collection method: clinical testing. Allele origin: germline. Affected: yes.
Comment: This variant is considered likely benign or benign based on one or more of the following criteria: it is a conservative change, it occurs at a poorly conserved position in the protein, it is predicted to be benign by multiple in silico algorithms, and/or has population frequency not consistent with disease.

Breakthrough Genomics
Classification: Benign. Review status: criteria provided, single submitter. Criteria: ACMG Guidelines, 2015. Collection method: not provided. Allele origin: germline. Inheritance: Autosomal recessive inheritance. Affected: yes.